The following is an entry in ClinVar:

NM_032119.4(ADGRV1):c.3979G>A (p.Ala1327Thr)

Gene: ADGRV1 (adhesion G protein-coupled receptor V1; plus strand). Cytogenetic location: 5q14.3.
Variant type: single nucleotide variant.
Coding change: c.3979G>A on transcript NM_032119.4 (MANE Select); coding-DNA position 3979, G replaced by A.
Protein change: p.Ala1327Thr; replaces alanine 1327 with threonine.
Molecular consequence: missense variant. On other transcripts: non-coding transcript variant (1).
Genome position (GRCh38, 1-based): chr5:90,653,553, G>A. VCF-style: chr5-90653553-G-A. GRCh37 (hg19) VCF-style: chr5-89949370-G-A.
Other names: short protein forms A1327T.
Identifiers: ClinVar variation 1385812 (VCV001385812.8), dbSNP rs2149467419, ClinGen allele CA360400326.
Genomic context (GRCh38, chr5:90,653,553, plus strand): 5'-ATTTTCCCCACCACCGTGCATTTACAACAGCACATGCGGCGTCACCACAGTGGAACGGAT[G>A]CTTTGTACTTTACCGGACTAGAGGGTGCATTTGGGACTGTTAATCCAAAATACCATCCCT-3'
Protein context (NP_115495.3, residues 1317-1337): HMRRHHSGTD[Ala1327Thr]LYFTGLEGAF

ClinVar aggregate classification (germline): Uncertain significance (1 of 4 stars; one submission).

gnomAD v4.1: 1 of 1,613,896 alleles (0.000062%); highest among the groups gnomAD compares: Admixed American, 0.0017%; no homozygotes.

Submission:

Labcorp Genetics (formerly Invitae), Labcorp
Classification: Uncertain significance. Last evaluated: 2024-06-24. Review status: criteria provided, single submitter. Criteria: Invitae Variant Classification Sherloc (09022015). Collection method: clinical testing. Allele origin: germline.
Comment: This sequence change replaces alanine, which is neutral and non-polar, with threonine, which is neutral and polar, at codon 1327 of the ADGRV1 protein (p.Ala1327Thr). This variant is not present in population databases (gnomAD no frequency). This variant has not been reported in the literature in individuals affected with ADGRV1-related conditions. ClinVar contains an entry for this variant (Variation ID: 1385812). Advanced modeling of protein sequence and biophysical properties (such as structural, functional, and spatial information, amino acid conservation, physicochemical variation, residue mobility, and thermodynamic stability) performed at Invitae indicates that this missense variant is not expected to disrupt ADGRV1 protein function with a negative predictive value of 95%. In summary, the available evidence is currently insufficient to determine the role of this variant in disease. Therefore, it has been classified as a Variant of Uncertain Significance.